The following is an entry in ClinVar:

ClinVar aggregate classification (germline): Uncertain significance (1 of 4 stars; one submission).

Conditions:
MELAS syndrome (MELAS). Also called: Juvenile myopathy, encephalopathy, lactic acidosis, stroke. Identifiers: Orphanet 550, MedGen C0162671, MONDO:0010789, OMIM 540000.

Submission:

Wong Mito Lab, Molecular and Human Genetics, Baylor College of Medicine
Classification: Uncertain significance for MELAS syndrome. Last evaluated: 2019-07-12. Review status: criteria provided, single submitter. Criteria: Modified ACMG Guidelines (Unpublished). Collection method: clinical testing. Allele origin: germline.
Comment: The NC_012920.1:m.15909A>T variant in MT-TT gene is interpreted to be a Unknown Significance variant based on the modified ACMG guidelines (unpublished). This variant meets the following evidence codes reported in the guidelines: BP4

Literature cited by the submitters: PubMed 31965079.

NC_012920.1(MT-TT):m.15909A>T

Gene: MT-TT (mitochondrially encoded tRNA threonine; plus strand).
Variant type: single nucleotide variant.
Genome position: chrM-15909-A-T.
Identifiers: ClinVar variation 690229 (VCV000690229.1), dbSNP rs1556424690, ClinGen allele CA913175175.
Genomic context (GRCh38, chrMT:15,909, plus strand): 5'-CTATCTCCCTAATTGAAAACAAAATACTCAAATGGGCCTGTCCTTGTAGTATAAACTAAT[A>T]CACCAGTCTTGTAAACCGGAGATGAAAACCTTTTTCCAAGGACAAATCAGAGAAAAAGTC-3'